The following is an entry in ClinVar:

ClinVar aggregate classification (germline): Likely benign. Review status: criteria provided, multiple submitters, no conflicts (2 of 4 stars). 2 submissions from 2 submitters: Likely benign (2). Last evaluated 2026-03-05.

Conditions:
MYO18B-related disorder. Also called: MYO18B-related condition.

Allele frequency attached by ClinVar (database versions not stated): gnomAD 0.00010; TOPMed 0.00011; gnomAD exomes 0.00014 and 0.00038; ESP Exome Variant Server 0.00016; ExAC 0.00092.
gnomAD v4.1: 231 of 1,557,972 alleles (0.015%); highest among the groups gnomAD compares: Middle Eastern, 0.021%; no homozygotes.

Submissions (2):

PreventionGenetics, part of Exact Sciences
Classification: Likely benign for MYO18B-related condition. Last evaluated: 2026-03-05. Review status: criteria provided, single submitter. Criteria: ACMG Guidelines, 2015. Collection method: clinical testing. Allele origin: germline.
Comment: This variant is classified as likely benign based on ACMG/AMP sequence variant interpretation guidelines (Richards et al. 2015 PMID: 25741868, with internal and published modifications).

Labcorp Genetics (formerly Invitae), Labcorp
Classification: Likely benign. Last evaluated: 2025-07-15. Review status: criteria provided, single submitter. Criteria: Invitae Variant Classification Sherloc (09022015). Collection method: clinical testing. Allele origin: germline.

NM_032608.7(MYO18B):c.3760C>T (p.Arg1254Cys)

Gene: MYO18B (myosin XVIIIB; plus strand). Cytogenetic location: 22q12.1.
Variant type: single nucleotide variant.
Coding change: c.3760C>T on transcript NM_032608.7 (MANE Select); coding-DNA position 3760, C replaced by T.
Protein change: p.Arg1254Cys; replaces arginine 1254 with cysteine.
Molecular consequence: missense variant.
Genome position (GRCh38, 1-based): chr22:25,847,637, C>T. VCF-style: chr22-25847637-C-T. GRCh37 (hg19) VCF-style: chr22-26243604-C-T.
Other names: c.3763C>T, p.Arg1255Cys (NM_001318245.2); c.3760C>T (NM_032608.6); short protein forms R1254C, R1255C.
Identifiers: ClinVar variation 1593481 (VCV001593481.9), dbSNP rs200755716, ClinGen allele CA10160636.
Genomic context (GRCh38, chr22:25,847,637, plus strand): 5'-GCCCTGGATATCCCAGCACTGAGGGTCCAGCTTGCTGGGTTCCACATCCTGGAGGCTCTG[C>T]GTCTGCATAGGACAGGTAAGAGACAGCTAGGACACAGCACCTTGTCTCTGACTCCTGGGA-3'
Protein context (NP_115997.5, residues 1244-1264): LAGFHILEAL[Arg1254Cys]LHRTGYADHM